The following is an entry in ClinVar:

ClinVar aggregate classification (germline): Pathogenic/Likely pathogenic. Review status: criteria provided, multiple submitters, no conflicts (2 of 4 stars). 4 submissions from 4 submitters: Pathogenic (1); Likely pathogenic (3). Last evaluated 2025-09-14.

Conditions:
Hereditary insensitivity to pain with anhidrosis (CIPA). Also called: INSENSITIVITY TO PAIN, CONGENITAL, WITH ANHIDROSIS; FAMILIAL DYSAUTONOMIA, TYPE II; NEUROPATHY, CONGENITAL SENSORY, WITH ANHIDROSIS; HSAN Type IV; hereditary sensory and autonomic neuropathy type 4; NTRK1 Congenital Insensitivity to Pain with Anhidrosis. Identifiers: Orphanet 642, MedGen C0020074, MONDO:0009746, OMIM 256800.
Inborn genetic diseases. Identifiers: MedGen C0950123, MeSH D030342.

Allele frequency attached by ClinVar (database versions not stated): gnomAD exomes below 0.00001.

Submissions (4):

Natera, Inc.
Classification: Likely pathogenic for Hereditary insensitivity to pain with anhidrosis. Last evaluated: 2025-09-14. Review status: criteria provided, single submitter. Criteria: Natera Variant Classification Schema (03/2026). Collection method: clinical testing. Allele origin: germline.
Comment: The c.2213delG variant in NTRK1 is a frameshift variant predicted to elongate the protein beyond the termination codon. This variant is expected to result in nonsense mediated decay, truncation, or a dysfunctional protein product. This variant is rare in the general population with a frequency below the threshold expected for the associated phenotype(s). Given the available evidence, this variant is classified as Likely Pathogenic.

Labcorp Genetics (formerly Invitae), Labcorp
Classification: Pathogenic for Hereditary insensitivity to pain with anhidrosis. Last evaluated: 2024-12-11. Review status: criteria provided, single submitter. Criteria: Invitae Variant Classification Sherloc (09022015). Collection method: clinical testing. Allele origin: germline.
Comment: This sequence change results in a frameshift in the NTRK1 gene (p.Arg738Leufs*76). While this is not anticipated to result in nonsense mediated decay, it is expected to disrupt the last 53 amino acid(s) of the NTRK1 protein and extend the protein by 22 additional amino acid residues. This variant is not present in population databases (gnomAD no frequency). This variant has not been reported in the literature in individuals affected with NTRK1-related conditions. ClinVar contains an entry for this variant (Variation ID: 1787799). This variant disrupts a region of the NTRK1 protein in which other variant(s) (p.Arg765Cys) have been determined to be pathogenic (PMID: 27265460, 27676246, 32219930). This suggests that this is a clinically significant region of the protein, and that variants that disrupt it are likely to be disease-causing. For these reasons, this variant has been classified as Pathogenic.

Genome-Nilou Lab
Classification: Likely pathogenic for Hereditary insensitivity to pain with anhidrosis. Last evaluated: 2023-04-11. Review status: criteria provided, single submitter. Criteria: ACMG Guidelines, 2015. Collection method: clinical testing. Allele origin: germline. Affected: no.

Ambry Genetics
Classification: Likely pathogenic for Inborn genetic diseases. Last evaluated: 2021-05-21. Review status: criteria provided, single submitter. Criteria: Ambry Variant Classification Scheme 2023. Collection method: clinical testing. Allele origin: germline.
Comment: The c.2213delG variant, located in coding exon 16 of the NTRK1 gene, results from a deletion of one nucleotide at nucleotide position 2213, causing a translational frameshift with a predicted alternate stop codon (p.R738Lfs*76). This alteration occurs at the 3' terminus of theNTRK1 gene, is not expected to trigger nonsense-mediated mRNAdecay and results in the elongation of the protein by 22 amino acids. This frameshift impacts the last 7% (54amino acids) of the native protein. However, frameshifts are typically deleterious in nature and the impacted region is critical for protein function (Ambry internal data). This variant is considered to be rare based on population cohorts in the Genome Aggregation Database (gnomAD). Based on the majority of available evidence to date, this variant is likely to be pathogenic.

Literature cited by the submitters: PubMed 27265460 (cited by Labcorp Genetics (formerly Invitae), Labcorp); PubMed 27676246 (cited by Labcorp Genetics (formerly Invitae), Labcorp); PubMed 32219930 (cited by Labcorp Genetics (formerly Invitae), Labcorp).

NM_002529.4(NTRK1):c.2231del (p.Arg744fs)

Gene: NTRK1 (neurotrophic receptor tyrosine kinase 1; plus strand). Cytogenetic location: 1q23.1.
Variant type: Deletion.
Coding change: c.2231del on transcript NM_002529.4 (MANE Select); coding-DNA position 2231, one base deleted (G; older notation c.2231delG).
Protein change: p.Arg744fs; shifts the reading frame from arginine 744.
Molecular consequence: frameshift variant.
Genome position (GRCh38, 1-based): chr1:156,881,482, G deleted. VCF-style (leftmost placement, unchanged base first): chr1-156881481-CG-C. GRCh37 (hg19) VCF-style: chr1-156851273-CG-C.
Other names: c.2231delG, p.Arg744Leufs (NM_001007204.1); c.2123del, p.Arg708fs (NM_001007792.1); c.2213del, p.Arg738fs (NM_001012331.2); short protein forms R708fs, R738fs, R744fs.
Identifiers: ClinVar variation 1787799 (VCV001787799.9), dbSNP rs2525667554, ClinGen allele CA2580061246.